The following is an entry in ClinVar:

ClinVar aggregate classification (germline): Benign/Likely benign. Review status: criteria provided, multiple submitters, no conflicts (2 of 4 stars). 2 submissions from 2 submitters: Benign (1); Likely benign (1). Last evaluated 2026-02-02.

Allele frequency attached by ClinVar (database versions not stated): ExAC 0.00019; ESP Exome Variant Server 0.00055.
gnomAD v4.1: 970 of 1,536,136 alleles (0.063%); highest among the groups gnomAD compares: Admixed American, 0.1%; 2 homozygotes.

Submissions (2):

Labcorp Genetics (formerly Invitae), Labcorp
Classification: Benign. Last evaluated: 2026-02-02. Review status: criteria provided, single submitter. Criteria: Invitae Variant Classification Sherloc (09022015). Collection method: clinical testing. Allele origin: germline.

CeGaT Center for Human Genetics Tuebingen
Classification: Likely benign. Last evaluated: 2026-02-01. Review status: criteria provided, single submitter. Criteria: CeGaT Center For Human Genetics Tuebingen Variant Classification Criteria Version 2. Collection method: clinical testing. Allele origin: germline. Affected: yes. Observed: 3 variant alleles.
Comment: KCNK4: BP4, BS1

NM_033310.3(KCNK4):c.128G>T (p.Arg43Leu)

Genes: KCNK4 (potassium two pore domain channel subfamily K member 4; plus strand), KCNK4-CATSPERZ (KCNK4-CATSPERZ readthrough (NMD candidate); plus strand). Cytogenetic location: 11q13.1.
Variant type: single nucleotide variant.
Coding change: c.128G>T on transcript NM_033310.3 (MANE Select); coding-DNA position 128, G replaced by T.
Protein change: p.Arg43Leu; replaces arginine 43 with leucine.
Molecular consequence: missense variant. On other transcripts: non-coding transcript variant (2).
Genome position (GRCh38, 1-based): chr11:64,293,146, G>T. VCF-style: chr11-64293146-G-T. GRCh37 (hg19) VCF-style: chr11-64060618-G-T.
Other names: c.128G>T, p.Arg43Leu (NM_001317090.2); short protein forms R43L.
Identifiers: ClinVar variation 1523653 (VCV001523653.28), dbSNP rs150371580, ClinGen allele CA6072937.
Genomic context (GRCh38, chr11:64,293,146, plus strand): 5'-TGTTCCGGGCCCTGGAGCAGCCCCACGAGCAGCAGGCCCAGAGGGAGCTGGGGGAGGTCC[G>T]AGAGAAGTTCCTGAGGGCCCATCCGTGTGTGAGCGACCAGGAGCTGGGCCTCCTCATCAA-3'
Protein context (NP_201567.1, residues 33-53): QQAQRELGEV[Arg43Leu]EKFLRAHPCV